The following is an entry in ClinVar:

ClinVar aggregate classification (germline): Uncertain significance (1 of 4 stars; one submission).

Conditions:
Inborn genetic diseases. Identifiers: MedGen C0950123, MeSH D030342.

Submission:

Ambry Genetics
Classification: Uncertain significance for Inborn genetic diseases. Last evaluated: 2025-11-04. Review status: criteria provided, single submitter. Criteria: Ambry Variant Classification Scheme 2023. Collection method: clinical testing. Allele origin: germline.
Comment: The p.S96P variant (also known as c.286T>C), located in coding exon 3 of the SBDS gene, results from a T to C substitution at nucleotide position 286. The serine at codon 96 is replaced by proline, an amino acid with similar properties. This amino acid position is conserved. In addition, this alteration is predicted to be deleterious by in silico analysis. Based on the available evidence, the clinical significance of this variant remains unclear.

NM_016038.4(SBDS):c.286T>C (p.Ser96Pro)

Gene: SBDS (SBDS ribosome maturation factor; minus strand). Cytogenetic location: 7q11.21.
Variant type: single nucleotide variant.
Coding change: c.286T>C on transcript NM_016038.4 (MANE Select); coding-DNA position 286, T replaced by C.
Protein change: p.Ser96Pro; replaces serine 96 with proline.
Molecular consequence: missense variant.
Genome position (GRCh38, 1-based): chr7:66,993,390, A>G on the plus strand (T>C on the coding strand, the complement: SBDS is on the minus strand). VCF-style: chr7-66993390-A-G. GRCh37 (hg19) VCF-style: chr7-66458377-A-G.
Other names: short protein forms S96P.
Identifiers: ClinVar variation 4630234 (VCV004630234.1).